The following is an entry in ClinVar:

NM_002485.5(NBN):c.2071-2A>G

Gene: NBN (nibrin; minus strand). Cytogenetic location: 8q21.3.
Variant type: single nucleotide variant.
Coding change: c.2071-2A>G on transcript NM_002485.5 (MANE Select); the canonical splice acceptor site of the intron before coding-DNA position 2071, A replaced by G.
Molecular consequence: splice acceptor variant.
Genome position (GRCh38, 1-based): chr8:89,943,368, T>C on the plus strand (A>G on the coding strand, the complement: NBN is on the minus strand). VCF-style: chr8-89943368-T-C. GRCh37 (hg19) VCF-style: chr8-90955596-T-C.
Other names: c.1825-2A>G (NM_001024688.3).
Identifiers: ClinVar variation 1067156 (VCV001067156.8), dbSNP rs775397477, ClinGen allele CA371675957.

ClinVar aggregate classification (germline): Likely pathogenic (1 of 4 stars; one submission).

Conditions:
Microcephaly, normal intelligence and immunodeficiency (NBS). Also called: IMMUNODEFICIENCY, MICROCEPHALY, AND CHROMOSOMAL INSTABILITY; Nijmegen breakage syndrome; Microcephaly with normal intelligence immunodeficiency and lymphoreticular malignancies; Nonsyndromal microcephaly autosomal recessive with normal intelligence; Seemanova syndrome 2; BERLIN BREAKAGE SYNDROME. Identifiers: Orphanet 647, MedGen C0398791, MONDO:0009623, OMIM 251260.

Submissions (2):

Labcorp Genetics (formerly Invitae), Labcorp
Classification: Likely pathogenic for Microcephaly, normal intelligence and immunodeficiency. Last evaluated: 2021-09-29. Review status: criteria provided, single submitter. Criteria: Invitae Variant Classification Sherloc (09022015). Collection method: clinical testing. Allele origin: germline.
Comment: In summary, the currently available evidence indicates that the variant is pathogenic, but additional data are needed to prove that conclusively. Therefore, this variant has been classified as Likely Pathogenic. Algorithms developed to predict the effect of sequence changes on RNA splicing suggest that this variant may disrupt the consensus splice site. ClinVar contains an entry for this variant (Variation ID: 1067156). This variant has not been reported in the literature in individuals affected with NBN-related conditions. This variant is not present in population databases (ExAC no frequency). This sequence change affects an acceptor splice site in intron 13 of the NBN gene. It is expected to disrupt RNA splicing. Variants that disrupt the donor or acceptor splice site typically lead to a loss of protein function (PMID: 16199547), and loss-of-function variants in NBN are known to be pathogenic (PMID: 9590180, 16415040).

Dr. Peter K. Rogan Lab, Western University
No classification provided (evidence only). Condition: Cervical cancer. Review status: no classification provided. Collection method: in vitro. Allele origin: not applicable. Functional consequence: skipped exon. Not counted in ClinVar's aggregate classification.

Literature cited by the submitters: PubMed 16199547 (cited by Labcorp Genetics (formerly Invitae), Labcorp); PubMed 9590180 (cited by Labcorp Genetics (formerly Invitae), Labcorp); PubMed 16415040 (cited by Labcorp Genetics (formerly Invitae), Labcorp).